The following is an entry in ClinVar:

ClinVar aggregate classification (germline): Likely benign (0 of 4 stars; one submission).

Conditions:
G6PC2-related disorder. Also called: G6PC2-related condition.

Allele frequency attached by ClinVar (database versions not stated): 1000 Genomes Project 0.00040; 1000 Genomes Project 30x 0.00047; gnomAD 0.00153; ExAC 0.00156; TOPMed 0.00195; ESP Exome Variant Server 0.00208; gnomAD exomes 0.00222.
gnomAD v4.1: 3,482 of 1,613,948 alleles (0.22%); highest among the groups gnomAD compares: Non-Finnish European, 0.26%; 8 homozygotes.

Submission:

PreventionGenetics, part of Exact Sciences
Classification: Likely benign for G6PC2-related condition. Last evaluated: 2019-04-01. Review status: no assertion criteria provided. Collection method: clinical testing. Allele origin: germline.
Comment: This variant is classified as likely benign based on ACMG/AMP sequence variant interpretation guidelines (Richards et al. 2015 PMID: 25741868, with internal and published modifications).

NM_021176.3(G6PC2):c.627G>A (p.Lys209=)

Gene: G6PC2 (glucose-6-phosphatase catalytic subunit 2; plus strand). Cytogenetic location: 2q31.1.
Variant type: single nucleotide variant.
Coding change: c.627G>A on transcript NM_021176.3 (MANE Select); coding-DNA position 627, G replaced by A.
Protein change: p.Lys209=; no amino-acid change (lysine 209 retained).
Molecular consequence: synonymous variant. On other transcripts: 3 prime UTR variant (1).
Genome position (GRCh38, 1-based): chr2:168,907,638, G>A. VCF-style: chr2-168907638-G-A. GRCh37 (hg19) VCF-style: chr2-169764148-G-A.
Other names: c.*46G>A (NM_001081686.2).
Identifiers: ClinVar variation 3041171 (VCV003041171.2), dbSNP rs2232324, ClinGen allele CA1950770.